The following is an entry in ClinVar:

NM_023110.3(FGFR1):c.1265dup (p.Leu423fs)

Gene: FGFR1 (fibroblast growth factor receptor 1; minus strand). Cytogenetic location: 8p11.23.
Variant type: Duplication.
Coding change: c.1265dup on transcript NM_023110.3 (MANE Select); coding-DNA position 1265, one base duplicated (C; older notation c.1265dupC).
Protein change: p.Leu423fs; shifts the reading frame from leucine 423.
Molecular consequence: frameshift variant.
Genome position (GRCh38, 1-based): chr8:38,419,552, G duplicated on the plus strand (C on the coding strand, the reverse complement: FGFR1 is on the minus strand); the first of 3 consecutive G bases (chr8:38,419,552-38,419,554); duplicating any one gives the same sequence. VCF-style (leftmost placement, unchanged base first): chr8-38419551-A-AG. GRCh37 (hg19) VCF-style: chr8-38277069-A-AG.
Other names: c.1265dup, p.Leu423fs (NM_001174063.2); c.1241dup, p.Leu415fs (NM_001174064.2); c.1259dup, p.Leu421fs (NM_001174065.2, NM_001354367.2, NM_001354369.2 and 1 more transcripts); c.998dup, p.Leu334fs (NM_001174066.2, NM_023105.3); c.1358dup, p.Leu454fs (NM_001174067.2); c.992dup, p.Leu332fs (NM_001354368.2, NM_001354370.2, NM_023106.3); short protein forms L415fs, L454fs, L334fs, L421fs, L423fs, L332fs.
Identifiers: ClinVar variation 1418780 (VCV001418780.6), dbSNP rs2150705198, ClinGen allele CA2573142775.

ClinVar aggregate classification (germline): Pathogenic (1 of 4 stars; one submission).

Conditions:
Hypogonadotropic hypogonadism 2 with or without anosmia (HH2). Also called: FGFR1-Related GnRH Deficiency (Kallmann Syndrome 2); HYPOGONADOTROPIC HYPOGONADISM 2 WITHOUT ANOSMIA; HYPOGONADOTROPIC HYPOGONADISM 2 WITH OR WITHOUT ANOSMIA, SUSCEPTIBILITY TO; HYPOGONADOTROPIC HYPOGONADISM 2 WITHOUT ANOSMIA, SUSCEPTIBILITY TO. Identifiers: Orphanet 478, MedGen C1563720, MONDO:0007844, OMIM 147950. Disease mechanism: loss of function.
Pfeiffer syndrome (ACS5). Also called: ACS V. Identifiers: Orphanet 710, MedGen C0220658, MONDO:0007043, OMIM 101600.

Submission:

Labcorp Genetics (formerly Invitae), Labcorp
Classification: Pathogenic for Pfeiffer syndrome; Hypogonadotropic hypogonadism 2 with or without anosmia. Last evaluated: 2023-07-27. Review status: criteria provided, single submitter. Criteria: Invitae Variant Classification Sherloc (09022015). Collection method: clinical testing. Allele origin: germline.
Comment: This variant has not been reported in the literature in individuals affected with FGFR1-related conditions. This sequence change creates a premature translational stop signal (p.Leu423Serfs*10) in the FGFR1 gene. It is expected to result in an absent or disrupted protein product. Loss-of-function variants in FGFR1 are known to be pathogenic (PMID: 12627230). This variant is not present in population databases (gnomAD no frequency). ClinVar contains an entry for this variant (Variation ID: 1418780). For these reasons, this variant has been classified as Pathogenic.

Literature cited by the submitters: PubMed 12627230.